The following is an entry in ClinVar:

NM_033026.6(PCLO):c.9170G>C (p.Gly3057Ala)

Gene: PCLO (piccolo presynaptic cytomatrix protein; minus strand). Cytogenetic location: 7q21.11.
Variant type: single nucleotide variant.
Coding change: c.9170G>C on transcript NM_033026.6 (MANE Select); coding-DNA position 9170, G replaced by C.
Protein change: p.Gly3057Ala; replaces glycine 3057 with alanine.
Molecular consequence: missense variant.
Genome position (GRCh38, 1-based): chr7:82,951,418, C>G on the plus strand (G>C on the coding strand, the complement: PCLO is on the minus strand). VCF-style: chr7-82951418-C-G. GRCh37 (hg19) VCF-style: chr7-82580734-C-G.
Other names: c.9170G>C, p.Gly3057Ala (NM_014510.3); short protein forms G3057A.
Identifiers: ClinVar variation 4881376 (VCV004881376.2).

ClinVar aggregate classification (germline): Uncertain significance (1 of 4 stars; one submission).

Submission:

Dasa
Classification: Uncertain significance. Last evaluated: 2025-01-26. Review status: criteria provided, single submitter. Criteria: DASA Assertion Criteria. Collection method: clinical testing. Allele origin: germline.
Comment: NM_033026.6(PCLO):c.9170G>C (p.Gly3057Ala) is a missense variant that results in the substitution of glycine with alanine. This variant is absent from population databases. Computational prediction algorithms are consistent with a benign effect. The currently available literature and clinical evidence are not sufficient to establish a definitive association between this variant and the reported condition. Therefore, this variant is classified as a variant of uncertain significance.